The following is an entry in ClinVar:

ClinVar aggregate classification (germline): Benign. Review status: criteria provided, multiple submitters, no conflicts (2 of 4 stars). 2 submissions from 2 submitters: Benign (2). Last evaluated 2018-06-16.

Allele frequency attached by ClinVar (database versions not stated): gnomAD exomes 0.00806; gnomAD 0.08462 and 0.09068; 1000 Genomes Project 30x 0.10384; TOPMed 0.09615; 1000 Genomes Project 0.09665.

Submissions (2):

GeneDx
Classification: Benign. Last evaluated: 2018-06-16. Review status: criteria provided, single submitter. Criteria: GeneDx Variant Classification (06012015). Collection method: clinical testing. Allele origin: germline. Affected: yes.
Comment: This variant is considered likely benign or benign based on one or more of the following criteria: it is a conservative change, it occurs at a poorly conserved position in the protein, it is predicted to be benign by multiple in silico algorithms, and/or has population frequency not consistent with disease.

Breakthrough Genomics
Classification: Benign. Review status: criteria provided, single submitter. Criteria: ACMG Guidelines, 2015. Collection method: not provided. Allele origin: germline. Inheritance: Autosomal recessive inheritance. Affected: yes.

NM_024753.4(TTC21B):c.-145G>A

Gene: TTC21B (tetratricopeptide repeat domain 21B; minus strand). Cytogenetic location: 2q24.3.
Variant type: single nucleotide variant.
Coding change: c.-145G>A on transcript NM_024753.4; 145 bases upstream of the start codon, G replaced by A.
Genome position (GRCh38, 1-based): chr2:165,953,850, C>T on the plus strand (G>A on the coding strand, the complement: TTC21B is on the minus strand). VCF-style: chr2-165953850-C-T. GRCh37 (hg19) VCF-style: chr2-166810360-C-T.
Identifiers: ClinVar variation 369313 (VCV000369313.8), dbSNP rs111867313, ClinGen allele CA10654610.
Genomic context (GRCh38, chr2:165,953,850, plus strand): 5'-TCCCGGAGCGCTCTAGCGCCCCGGGCCCCAGCGGGAGGGGCGGGGTCGCGCCGCGATTGG[C>T]TGTCGGAGGGAGAGGCGGGCCTGTGTGGCGGGGATCGTGCTGTAATGGAGCAGGGGCGGC-3'